The following is an entry in ClinVar:

NM_001367624.2(ZNF469):c.9531C>G (p.Cys3177Trp)

Gene: ZNF469 (zinc finger protein 469; plus strand). Cytogenetic location: 16q24.2.
Variant type: single nucleotide variant.
Coding change: c.9531C>G on transcript NM_001367624.2 (MANE Select); coding-DNA position 9531, C replaced by G.
Protein change: p.Cys3177Trp; replaces cysteine 3177 with tryptophan.
Molecular consequence: missense variant.
Genome position (GRCh38, 1-based): chr16:88,437,001, C>G. VCF-style: chr16-88437001-C-G. GRCh37 (hg19) VCF-style: chr16-88503409-C-G.
Other names: NM_001127464.1:c.9447C>G; short protein forms C3177W.
Identifiers: ClinVar variation 3196005 (VCV003196005.2), dbSNP rs775797987, ClinGen allele CA397124123.

ClinVar aggregate classification (germline): Uncertain significance (1 of 4 stars; one submission).

Conditions:
Cardiovascular phenotype. Identifiers: MedGen CN230736.

gnomAD v4.1: 23 of 1,520,426 alleles (0.0015%); highest among the groups gnomAD compares: Non-Finnish European, 0.002%; no homozygotes.

Submission:

Ambry Genetics
Classification: Uncertain significance for Cardiovascular phenotype. Last evaluated: 2025-02-09. Review status: criteria provided, single submitter. Criteria: Ambry Variant Classification Scheme 2023. Collection method: clinical testing. Allele origin: germline.
Comment: The p.C3149W variant (also known as c.9447C>G), located in coding exon 2 of the ZNF469 gene, results from a C to G substitution at nucleotide position 9447. The cysteine at codon 3149 is replaced by tryptophan, an amino acid with highly dissimilar properties. This amino acid position is conserved. In addition, the in silico prediction for this alteration is inconclusive. Based on the available evidence, the clinical significance of this variant remains unclear.